The following is an entry in ClinVar:

NM_000059.4(BRCA2):c.2451_2452dup (p.Asn818fs)

Gene: BRCA2 (BRCA2 DNA repair associated; plus strand). Cytogenetic location: 13q13.1.
Variant type: Duplication.
Coding change: c.2451_2452dup on transcript NM_000059.4 (MANE Select); coding-DNA positions 2451 to 2452, 2 bases duplicated (GA; older notation c.2451_2452dupGA).
Protein change: p.Asn818fs; shifts the reading frame from asparagine 818.
Molecular consequence: frameshift variant.
Genome position (GRCh38, 1-based): chr13:32,336,806-32,336,807, GA duplicated; duplicating any 2 consecutive bases within chr13:32,336,805-32,336,807 gives the same sequence; the c. name uses the placement nearest the transcript's 3' end. VCF-style (leftmost placement, unchanged base first): chr13-32336804-A-AAG. GRCh37 (hg19) VCF-style: chr13-32910941-A-AAG.
Other names: 2678insGA; short protein forms N818fs.
Identifiers: ClinVar variation 266699 (VCV000266699.5), dbSNP rs886040426, ClinGen allele CA10589155.

ClinVar aggregate classification (germline): Pathogenic. Review status: reviewed by expert panel (3 of 4 stars). 2 submissions from 2 submitters: Pathogenic (1). 1 of the submissions does not count toward it. Last evaluated 2016-10-18.

Conditions:
Breast-ovarian cancer, familial, susceptibility to, 2 (BROVCA2). Also called: BRCA2 Hereditary Breast and Ovarian Cancer. Identifiers: Orphanet 145, MedGen C2675520, MONDO:0012933, OMIM 612555. Disease mechanism: loss of function.

Submissions (2):

Evidence-based Network for the Interpretation of Germline Mutant Alleles (ENIGMA)
Classification: Pathogenic for Breast-ovarian cancer, familial, susceptibility to, 2. Last evaluated: 2016-10-18. Review status: reviewed by expert panel. Criteria: ENIGMA BRCA1/2 Classification Criteria (2015). Collection method: curation. Allele origin: germline.
Comment: Variant allele predicted to encode a truncated non-functional protein.

Consortium of Investigators of Modifiers of BRCA1/2 (CIMBA), c/o University of Cambridge
Classification: Pathogenic for Breast-ovarian cancer, familial, susceptibility to, 2. Last evaluated: 2015-10-02. Review status: criteria provided, single submitter. Criteria: CIMBA Mutation Classification guidelines May 2016. Collection method: clinical testing. Allele origin: germline. Not counted in ClinVar's aggregate classification.